The following is an entry in ClinVar:

ClinVar aggregate classification (germline): Uncertain significance (1 of 4 stars; one submission).

Submission:

Women's Health and Genetics/Laboratory Corporation of America, LabCorp
Classification: Uncertain significance. Last evaluated: 2022-03-08. Review status: criteria provided, single submitter. Criteria: LabCorp Variant Classification Summary - May 2015. Collection method: clinical testing. Allele origin: germline.
Comment: Variant summary: PHYH c.973A>G (p.Met325Val) results in a conservative amino acid change in the encoded protein sequence. Five of five in-silico tools predict a benign effect of the variant on protein function. The variant allele was found at a frequency of 4e-06 in 251300 control chromosomes (gnomAD). The available data on variant occurrences in the general population are insufficient to allow any conclusion about variant significance. To our knowledge, no occurrence of c.973A>G in individuals affected with Phytanic Acid Storage Disease and no experimental evidence demonstrating its impact on protein function have been reported. No clinical diagnostic laboratories have submitted clinical-significance assessments for this variant to ClinVar after 2014. Based on the evidence outlined above, the variant was classified as uncertain significance.

NM_006214.4(PHYH):c.973A>G (p.Met325Val)

Gene: PHYH (phytanoyl-CoA 2-hydroxylase; minus strand). Cytogenetic location: 10p13.
Variant type: single nucleotide variant.
Coding change: c.973A>G on transcript NM_006214.4 (MANE Select); coding-DNA position 973, A replaced by G.
Protein change: p.Met325Val; replaces methionine 325 with valine.
Molecular consequence: missense variant.
Genome position (GRCh38, 1-based): chr10:13,278,345, T>C on the plus strand (A>G on the coding strand, the complement: PHYH is on the minus strand). VCF-style: chr10-13278345-T-C. GRCh37 (hg19) VCF-style: chr10-13320345-T-C.
Other names: c.673A>G, p.Met225Val (NM_001037537.2, NM_001323080.2); c.979A>G, p.Met327Val (NM_001323082.2); c.709A>G, p.Met237Val (NM_001323083.2); c.679A>G, p.Met227Val (NM_001323084.2); short protein forms M225V, M227V, M237V, M325V, M327V.
Identifiers: ClinVar variation 1677048 (VCV001677048.1), dbSNP rs145020360, ClinGen allele CA5412182.